The following is an entry in ClinVar:

NM_001814.6(CTSC):c.825C>T (p.Thr275=)

Gene: CTSC (cathepsin C; minus strand). Cytogenetic location: 11q14.2.
Variant type: single nucleotide variant.
Coding change: c.825C>T on transcript NM_001814.6 (MANE Select); coding-DNA position 825, C replaced by T.
Protein change: p.Thr275=; no amino-acid change (threonine 275 retained).
Molecular consequence: synonymous variant.
Genome position (GRCh38, 1-based): chr11:88,296,197, G>A on the plus strand (C>T on the coding strand, the complement: CTSC is on the minus strand). VCF-style: chr11-88296197-G-A. GRCh37 (hg19) VCF-style: chr11-88029365-G-A.
Identifiers: ClinVar variation 466229 (VCV000466229.34), dbSNP rs2230081, ClinGen allele CA6219832.

ClinVar aggregate classification (germline): Benign/Likely benign. Review status: criteria provided, multiple submitters, no conflicts (2 of 4 stars). 6 submissions from 5 submitters: Benign (5); Likely benign (1). Last evaluated 2026-02-04.

Conditions:
Haim-Munk syndrome (HMS). Also called: COCHIN JEWISH DISORDER; KERATOSIS PALMOPLANTARIS WITH PERIODONTOPATHIA AND ONYCHOGRYPOSIS. Identifiers: Orphanet 2342, MedGen C1855627, MONDO:0009491, OMIM 245010.
Periodontitis, aggressive. Identifiers: MedGen C0031106, MONDO:0980757.
Papillon-Lefèvre syndrome (PALS). Also called: Papillon-Lefevre Disease; KERATOSIS PALMOPLANTARIS WITH PERIODONTOPATHIA. Identifiers: Orphanet 678, MedGen C0030360, MONDO:0009490, OMIM 245000.

Allele frequency attached by ClinVar (database versions not stated): ESP Exome Variant Server 0.00738; gnomAD 0.00771 and 0.00790; gnomAD exomes 0.00903 and 0.01064; ExAC 0.01018; 1000 Genomes Project 0.00260; 1000 Genomes Project 30x 0.00265; TOPMed 0.00683.

Submissions (6):

Labcorp Genetics (formerly Invitae), Labcorp
Classification: Benign for Haim-Munk syndrome; Periodontitis, aggressive; Papillon-Lefèvre syndrome. Last evaluated: 2026-02-04. Review status: criteria provided, single submitter. Criteria: Invitae Variant Classification Sherloc (09022015). Collection method: clinical testing. Allele origin: germline.

Blueprint Genetics
Classification: Likely benign. Last evaluated: 2024-11-26. Review status: criteria provided, single submitter. Criteria: ACMG Guidelines, 2015. Collection method: clinical testing. Allele origin: germline.

CeGaT Center for Human Genetics Tuebingen
Classification: Benign. Last evaluated: 2024-10-01. Review status: criteria provided, single submitter. Criteria: CeGaT Center For Human Genetics Tuebingen Variant Classification Criteria Version 2. Collection method: clinical testing. Allele origin: germline. Affected: yes. Observed: 2 variant alleles.
Comment: CTSC: BP4, BP7, BS1, BS2

Illumina Laboratory Services, Illumina
Classification: Benign for Papillon-Lefèvre syndrome. Last evaluated: 2018-01-12. Review status: criteria provided, single submitter. Criteria: ICSL Variant Classification Criteria 13 December 2019. Collection method: clinical testing. Allele origin: germline.
Comment: This variant was observed in the ICSL laboratory as part of a predisposition screen in an ostensibly healthy population. It had not been previously curated by ICSL or reported in the Human Gene Mutation Database (HGMD: prior to June 1st, 2018), and was therefore a candidate for classification through an automated scoring system. Utilizing variant allele frequency, disease prevalence and penetrance estimates, and inheritance mode, an automated score was calculated to assess if this variant is too frequent to cause the disease. Based on the score and internal cut-off values, a variant classified as benign is not then subjected to further curation. The score for this variant resulted in a classification of benign for this disease.

Illumina Laboratory Services, Illumina
Classification: Benign for Haim-Munk syndrome. Last evaluated: 2018-01-12. Review status: criteria provided, single submitter. Criteria: ICSL Variant Classification Criteria 13 December 2019. Collection method: clinical testing. Allele origin: germline.
Comment: the same text as in the submission from Illumina Laboratory Services, Illumina above.

Breakthrough Genomics
Classification: Benign. Review status: criteria provided, single submitter. Criteria: ACMG Guidelines, 2015. Collection method: not provided. Allele origin: germline. Inheritance: Autosomal recessive inheritance. Affected: yes.